The following is an entry in ClinVar:

NM_001205254.2(OCLN):c.23del (p.Ser8fs)

Gene: OCLN (occludin; plus strand). Cytogenetic location: 5q13.2.
Variant type: Deletion.
Coding change: c.23del on transcript NM_001205254.2 (MANE Select); coding-DNA position 23, one base deleted (G; older notation c.23delG).
Protein change: p.Ser8fs; shifts the reading frame from serine 8.
Molecular consequence: frameshift variant.
Genome position (GRCh38, 1-based): chr5:69,504,267, G deleted. VCF-style (leftmost placement, unchanged base first): chr5-69504266-AG-A. GRCh37 (hg19) VCF-style: chr5-68800093-AG-A.
Other names: c.-52delG (NM_001205255.2); c.23del, p.Ser8fs (NM_001410743.1, NM_002538.4); short protein forms S8fs.
Identifiers: ClinVar variation 817656 (VCV000817656.1), dbSNP rs1580547770, ClinGen allele CA915943370.

ClinVar aggregate classification (germline): Likely pathogenic (1 of 4 stars; one submission).

Submission:

GeneDx
Classification: Likely pathogenic. Last evaluated: 2018-03-07. Review status: criteria provided, single submitter. Criteria: GeneDx Variant Classification (06012015). Collection method: clinical testing. Allele origin: germline. Affected: yes.
Comment: A variant that is likely pathogenic has been identified in the OCLN gene. The c.23delG variant causes a frameshift starting with codon Serine 8, changes this amino acid to an Isoleucine residue and creates a premature Stop codon at position 57 of the new reading frame, denoted p.Ser8IlefsX57. This likely pathogenic variant is predicted to cause loss of normal protein function either through protein truncation or nonsense-mediated mRNA decay. The c.23delG variant is not observed in large population cohorts (Lek et al., 2016). Therefore, this variant is likely pathogenic; however, the possibility that it is benign cannot be excluded.